The following is an entry in ClinVar:

NM_002894.3(RBBP8):c.590C>G (p.Ser197Cys)

Gene: RBBP8 (RB binding protein 8, endonuclease; plus strand). Cytogenetic location: 18q11.2.
Variant type: single nucleotide variant.
Coding change: c.590C>G on transcript NM_002894.3 (MANE Select); coding-DNA position 590, C replaced by G.
Protein change: p.Ser197Cys; replaces serine 197 with cysteine.
Molecular consequence: missense variant.
Genome position (GRCh38, 1-based): chr18:22,982,379, C>G. VCF-style: chr18-22982379-C-G. GRCh37 (hg19) VCF-style: chr18-20562342-C-G.
Other names: c.590C>G, p.Ser197Cys (NM_203291.2, NM_203292.2); c.590C>G (NM_002894.2); short protein forms S197C.
Identifiers: ClinVar variation 2183841 (VCV002183841.5), dbSNP rs757560355, ClinGen allele CA8909867.
Genomic context (GRCh38, chr18:22,982,379, plus strand): 5'-GAAGAAAGGAGAACCCCCATGTCCGATACATAGAACAAACACATACTAAATTGGAGCACT[C>G]TGTGTGTGCAAATGGTAAGAGTTGGAGTTGTATTTTAGTTCTCTGGTTTTGTAAACCAGT-3'
Protein context (NP_002885.1, residues 187-207): IEQTHTKLEH[Ser197Cys]VCANEMRKVS

ClinVar aggregate classification (germline): Uncertain significance. Review status: criteria provided, multiple submitters, no conflicts (2 of 4 stars). 2 submissions from 2 submitters: Uncertain significance (2). Last evaluated 2022-11-07.

Conditions:
Inborn genetic diseases. Identifiers: MedGen C0950123, MeSH D030342.

Allele frequency attached by ClinVar (database versions not stated): gnomAD exomes below 0.00001; ExAC 0.00001; gnomAD 0.00001.
gnomAD v4.1: 2 of 1,613,928 alleles (0.00012%); highest among the groups gnomAD compares: East Asian, 0.0045%; no homozygotes.

Submissions (2):

Labcorp Genetics (formerly Invitae), Labcorp
Classification: Uncertain significance. Last evaluated: 2022-11-07. Review status: criteria provided, single submitter. Criteria: Invitae Variant Classification Sherloc (09022015). Collection method: clinical testing. Allele origin: germline.
Comment: In summary, the available evidence is currently insufficient to determine the role of this variant in disease. Therefore, it has been classified as a Variant of Uncertain Significance. Advanced modeling of protein sequence and biophysical properties (such as structural, functional, and spatial information, amino acid conservation, physicochemical variation, residue mobility, and thermodynamic stability) performed at Invitae indicates that this missense variant is not expected to disrupt RBBP8 protein function. This variant has not been reported in the literature in individuals affected with RBBP8-related conditions. The frequency data for this variant in the population databases is considered unreliable, as metrics indicate poor data quality at this position in the gnomAD database. This sequence change replaces serine, which is neutral and polar, with cysteine, which is neutral and slightly polar, at codon 197 of the RBBP8 protein (p.Ser197Cys).

Ambry Genetics
Classification: Uncertain significance for Inborn genetic diseases. Last evaluated: 2021-12-17. Review status: criteria provided, single submitter. Criteria: Ambry Variant Classification Scheme 2023. Collection method: clinical testing. Allele origin: germline.